The following is an entry in ClinVar:

NM_001042492.3(NF1):c.7275T>C (p.Asn2425=)

Gene: NF1 (neurofibromin 1; plus strand). Cytogenetic location: 17q11.2.
Variant type: single nucleotide variant.
Coding change: c.7275T>C on transcript NM_001042492.3 (MANE Select); coding-DNA position 7275, T replaced by C.
Protein change: p.Asn2425=; no amino-acid change (asparagine 2425 retained).
Molecular consequence: synonymous variant.
Genome position (GRCh38, 1-based): chr17:31,349,205, T>C. VCF-style: chr17-31349205-T-C. GRCh37 (hg19) VCF-style: chr17-29676223-T-C.
Other names: c.7212T>C, p.Asn2404= (NM_000267.4).
Identifiers: ClinVar variation 412999 (VCV000412999.17), dbSNP rs1060503904, ClinGen allele CA16615324.
Genomic context (GRCh38, chr17:31,349,205, plus strand): 5'-TGTTGCAAGAACAGTCAGAATTTTACATACACTACTAACTCTGGTTAACAAACACAGAAA[T>C]TGTGACAAATTTGAAGTGAATACACAGAGCGTGGCCTACTTAGCAGGTAAAAACACAAAA-3'
Protein context (NP_001035957.1, residues 2415-2435): TLLTLVNKHR[Asn2425=]CDKFEVNTQS

ClinVar aggregate classification (germline): Benign/Likely benign. Review status: criteria provided, multiple submitters, no conflicts (2 of 4 stars). 5 submissions from 5 submitters: Benign (1); Likely benign (4). Last evaluated 2026-05-21.

Conditions:
Hereditary cancer-predisposing syndrome. Also called: Hereditary Cancer Syndrome; Neoplastic Syndromes, Hereditary; Hereditary neoplastic syndrome; Tumor predisposition. Identifiers: Orphanet 140162, MedGen C0027672, MeSH D009386, MONDO:0015356.
Cardiovascular phenotype. Identifiers: MedGen CN230736.
Neurofibromatosis, type 1 (NF1). Also called: VON RECKLINGHAUSEN DISEASE; NEUROFIBROMATOSIS, TYPE I, SOMATIC; Neurofibromatosis, type I; Peripheral type neurofibromatosis. Identifiers: Orphanet 636, MedGen C0027831, MONDO:0018975, OMIM 162200. Disease mechanism: loss of function.

Allele frequency attached by ClinVar (database versions not stated): gnomAD 0.00002; gnomAD exomes below 0.00001; TOPMed 0.00002.
gnomAD v4.1: 8 of 1,613,480 alleles (0.0005%); highest among the groups gnomAD compares: African/African-American, 0.0053%; no homozygotes.

Submissions (5):

Myriad Genetics, Inc.
Classification: Benign for Neurofibromatosis, type 1. Last evaluated: 2026-05-21. Review status: criteria provided, single submitter. Criteria: Myriad Autosomal Dominant, Autosomal Recessive and X-Linked Classification Criteria (2023). Collection method: clinical testing. Allele origin: unknown.
Comment: This variant is considered benign. This variant is a silent/synonymous amino acid change and it is not expected to impact splicing.

Labcorp Genetics (formerly Invitae), Labcorp
Classification: Likely benign for Neurofibromatosis, type 1. Last evaluated: 2025-11-23. Review status: criteria provided, single submitter. Criteria: Invitae Variant Classification Sherloc (09022015). Collection method: clinical testing. Allele origin: germline.

Genome-Nilou Lab
Classification: Likely benign for Neurofibromatosis, type 1. Last evaluated: 2022-03-15. Review status: criteria provided, single submitter. Criteria: ACMG Guidelines, 2015. Collection method: clinical testing. Allele origin: germline. Affected: no.

Sema4
Classification: Likely benign for Hereditary cancer-predisposing syndrome. Last evaluated: 2022-02-01. Review status: criteria provided, single submitter. Criteria: Sema4 Curation Guidelines. Collection method: curation. Allele origin: germline.

Ambry Genetics
Classification: Likely benign for Cardiovascular phenotype; Hereditary cancer-predisposing syndrome. Last evaluated: 2016-12-20. Review status: criteria provided, single submitter. Criteria: Ambry Variant Classification Scheme 2023. Collection method: clinical testing. Allele origin: germline.